The following is an entry in ClinVar:

ClinVar aggregate classification (germline): Uncertain significance (1 of 4 stars; one submission).

Conditions:
Common variable immunodeficiency (CVID). Also called: Common variable hypogamma-globulinemia; Common variable agammaglobulinemia. Identifiers: Orphanet 1572, MedGen C0009447, MONDO:0015517.

gnomAD v4.1: 2 of 1,548,154 alleles (0.00013%); highest among the groups gnomAD compares: African/African-American, 0.0027%; no homozygotes.

Submission:

Labcorp Genetics (formerly Invitae), Labcorp
Classification: Uncertain significance for Common variable immunodeficiency. Last evaluated: 2018-02-07. Review status: criteria provided, single submitter. Criteria: Invitae Variant Classification Sherloc (09022015). Collection method: clinical testing. Allele origin: germline.
Comment: In summary, the available evidence is currently insufficient to determine the role of this variant in disease. Therefore, it has been classified as a Variant of Uncertain Significance. Algorithms developed to predict the effect of missense changes on protein structure and function output the following: SIFT: "Tolerated"; PolyPhen-2: "Benign"; Align-GVGD: "Class C0". The aspartic acid amino acid residue is found in multiple mammalian species, suggesting that this missense change does not adversely affect protein function. These predictions have not been confirmed by published functional studies and their clinical significance is uncertain. This variant has not been reported in the literature in individuals with TNFSF12-related disease. This variant is not present in population databases (ExAC no frequency). This sequence change replaces glutamic acid with aspartic acid at codon 59 of the TNFSF12 protein (p.Glu59Asp). The glutamic acid residue is moderately conserved and there is a small physicochemical difference between glutamic acid and aspartic acid.

NM_003809.3(TNFSF12):c.177G>C (p.Glu59Asp)

Genes: TNFSF12 (TNF superfamily member 12; plus strand), TNFSF12-TNFSF13 (TNFSF12-TNFSF13 readthrough; plus strand). Cytogenetic location: 17p13.1.
Variant type: single nucleotide variant.
Coding change: c.177G>C on transcript NM_003809.3 (MANE Select); coding-DNA position 177, G replaced by C.
Protein change: p.Glu59Asp; replaces glutamic acid 59 with aspartic acid.
Molecular consequence: missense variant. On other transcripts: non-coding transcript variant (1).
Genome position (GRCh38, 1-based): chr17:7,549,491, G>C. VCF-style: chr17-7549491-G-C. GRCh37 (hg19) VCF-style: chr17-7452808-G-C.
Other names: c.177G>C, p.Glu59Asp (NM_172089.4); short protein forms E59D.
Identifiers: ClinVar variation 567668 (VCV000567668.9), dbSNP rs868687352, ClinGen allele CA397855048.